The following is an entry in ClinVar:

NM_005546.4(ITK):c.1335T>G (p.Asp445Glu)

Gene: ITK (IL2 inducible T cell kinase; plus strand). Cytogenetic location: 5q33.3.
Variant type: single nucleotide variant.
Coding change: c.1335T>G on transcript NM_005546.4 (MANE Select); coding-DNA position 1335, T replaced by G.
Protein change: p.Asp445Glu; replaces aspartic acid 445 with glutamic acid.
Molecular consequence: missense variant.
Genome position (GRCh38, 1-based): chr5:157,244,364, T>G. VCF-style: chr5-157244364-T-G. GRCh37 (hg19) VCF-style: chr5-156671374-T-G.
Other names: short protein forms D445E.
Identifiers: ClinVar variation 1472180 (VCV001472180.3), dbSNP rs752788773, ClinGen allele CA3533059.

ClinVar aggregate classification (germline): Uncertain significance (1 of 4 stars; one submission).

Conditions:
Lymphoproliferative syndrome 1 (LPFS1). Identifiers: Orphanet 238505, Orphanet 538963, MedGen C3552634, MONDO:0013081, OMIM 613011.

Allele frequency attached by ClinVar (database versions not stated): gnomAD exomes 0.00001 and 0.00006; ExAC 0.00002.
gnomAD v4.1: 79 of 1,614,096 alleles (0.0049%); highest among the groups gnomAD compares: Non-Finnish European, 0.0065%; 1 homozygote.

Submission:

Labcorp Genetics (formerly Invitae), Labcorp
Classification: Uncertain significance for Lymphoproliferative syndrome 1. Last evaluated: 2022-02-09. Review status: criteria provided, single submitter. Criteria: Invitae Variant Classification Sherloc (09022015). Collection method: clinical testing. Allele origin: germline.
Comment: This sequence change replaces aspartic acid, which is acidic and polar, with glutamic acid, which is acidic and polar, at codon 445 of the ITK protein (p.Asp445Glu). This variant is present in population databases (rs752788773, gnomAD 0.003%). This variant has not been reported in the literature in individuals affected with ITK-related conditions. Advanced modeling of protein sequence and biophysical properties (such as structural, functional, and spatial information, amino acid conservation, physicochemical variation, residue mobility, and thermodynamic stability) performed at Invitae indicates that this missense variant is not expected to disrupt ITK protein function. In summary, the available evidence is currently insufficient to determine the role of this variant in disease. Therefore, it has been classified as a Variant of Uncertain Significance.